The following is an entry in ClinVar:

NM_001292063.2(OTOG):c.4612G>A (p.Ala1538Thr)

Gene: OTOG (otogelin; plus strand). Cytogenetic location: 11p15.1.
Variant type: single nucleotide variant.
Coding change: c.4612G>A on transcript NM_001292063.2 (MANE Select); coding-DNA position 4612, G replaced by A.
Protein change: p.Ala1538Thr; replaces alanine 1538 with threonine.
Molecular consequence: missense variant.
Genome position (GRCh38, 1-based): chr11:17,609,912, G>A. VCF-style: chr11-17609912-G-A. GRCh37 (hg19) VCF-style: chr11-17631459-G-A.
Other names: c.4648G>A (NM_001277269.1); c.4648G>A, p.Ala1550Thr (NM_001277269.2); short protein forms A1538T, A1550T.
Identifiers: ClinVar variation 1521446 (VCV001521446.10), dbSNP rs756067622, ClinGen allele CA5905857.
Genomic context (GRCh38, chr11:17,609,912, plus strand): 5'-GAGCCAGTGGTGTCTCCAGGCCCCACCCAGACCACCCTGCAGCAGCCACTGGAGCTCACT[G>A]CATCTCAACTCCCCGCCGGCCCCACGGAGTCCCCAGCCAGCAAGGGAGTGACTGCCAGCC-3'
Protein context (NP_001278992.1, residues 1528-1548): TTLQQPLELT[Ala1538Thr]SQLPAGPTES

ClinVar aggregate classification (germline): Uncertain significance. Review status: criteria provided, multiple submitters, no conflicts (2 of 4 stars). 4 submissions from 4 submitters: Uncertain significance (4). Last evaluated 2026-04-23.

Allele frequency attached by ClinVar (database versions not stated): gnomAD 0.00010 and 0.00013; TOPMed 0.00010; gnomAD exomes 0.00015 and 0.00019; ExAC 0.00048.
gnomAD v4.1: 281 of 1,523,956 alleles (0.018%); highest among the groups gnomAD compares: South Asian, 0.074%; no homozygotes.

Submissions (4):

GeneDx
Classification: Uncertain significance. Last evaluated: 2026-04-23. Review status: criteria provided, single submitter. Criteria: GeneDx Variant Classification Process June 2021. Collection method: clinical testing. Allele origin: germline.
Comment: In silico analysis suggests that this missense variant does not alter protein structure/function; Has not been previously published as pathogenic or benign to our knowledge

Blueprint Genetics
Classification: Uncertain significance. Last evaluated: 2024-11-27. Review status: criteria provided, single submitter. Criteria: ACMG Guidelines, 2015. Collection method: clinical testing. Allele origin: germline.

Labcorp Genetics (formerly Invitae), Labcorp
Classification: Uncertain significance. Last evaluated: 2021-09-02. Review status: criteria provided, single submitter. Criteria: Invitae Variant Classification Sherloc (09022015). Collection method: clinical testing. Allele origin: germline.
Comment: This sequence change replaces alanine with threonine at codon 1550 of the OTOG protein (p.Ala1550Thr). The alanine residue is moderately conserved and there is a small physicochemical difference between alanine and threonine. While this variant is present in population databases (rs756067622), the frequency information is unreliable, as metrics indicate poor data quality at this position in the ExAC database. This variant has not been reported in the literature in individuals affected with OTOG-related conditions. Algorithms developed to predict the effect of missense changes on protein structure and function output the following: SIFT: "Tolerated"; PolyPhen-2: "Benign"; Align-GVGD: "Class C0". The threonine amino acid residue is found in multiple mammalian species, which suggests that this missense change does not adversely affect protein function. In summary, the available evidence is currently insufficient to determine the role of this variant in disease. Therefore, it has been classified as a Variant of Uncertain Significance.

Breakthrough Genomics
Classification: Uncertain significance. Review status: criteria provided, single submitter. Criteria: ACMG Guidelines, 2015. Collection method: not provided. Allele origin: germline. Inheritance: Autosomal recessive inheritance. Affected: yes.